The following is an entry in ClinVar:

ClinVar aggregate classification (germline): Pathogenic (1 of 4 stars; one submission).

Conditions:
Mitochondrial trifunctional protein deficiency. Identifiers: Orphanet 746, MedGen C1969443, MONDO:0012172.
Long chain 3-hydroxyacyl-CoA dehydrogenase deficiency. Also called: Deficiency of long-chain 3-hydroxyacyl-coenzyme A dehydrogenase; LCHAD Deficiency. Identifiers: Orphanet 5, MedGen C3711645, MONDO:0012173, OMIM 609016.

Submission:

Labcorp Genetics (formerly Invitae), Labcorp
Classification: Pathogenic for Mitochondrial trifunctional protein deficiency; Long chain 3-hydroxyacyl-CoA dehydrogenase deficiency. Last evaluated: 2021-02-02. Review status: criteria provided, single submitter. Criteria: Invitae Variant Classification Sherloc (09022015). Collection method: clinical testing. Allele origin: germline.
Comment: This variant is not present in population databases (ExAC no frequency). This sequence change creates a premature translational stop signal (p.Gln118Alafs*10) in the HADHA gene. It is expected to result in an absent or disrupted protein product. Loss-of-function variants in HADHA are known to be pathogenic (PMID: 7738175, 21103935, 21549624, 22459206). This variant has not been reported in the literature in individuals with HADHA-related conditions. For these reasons, this variant has been classified as Pathogenic.

Literature cited by the submitters: PubMed 7738175; PubMed 21103935; PubMed 21549624; PubMed 22459206.

NM_000182.5(HADHA):c.352_353del (p.Gln118fs)

Gene: HADHA (hydroxyacyl-CoA dehydrogenase trifunctional multienzyme complex subunit alpha; minus strand). Cytogenetic location: 2p23.3.
Variant type: Microsatellite.
Coding change: c.352_353del on transcript NM_000182.5 (MANE Select); coding-DNA positions 352 to 353, 2 bases deleted (CA; older notation c.352_353delCA).
Protein change: p.Gln118fs; shifts the reading frame from glutamine 118.
Molecular consequence: frameshift variant.
Genome position (GRCh38, 1-based): chr2:26,234,317-26,234,318, TG deleted on the plus strand (CA on the coding strand, the reverse complement: HADHA is on the minus strand); deleting any 2 consecutive bases within chr2:26,234,317-26,234,321 gives the same sequence; the c. name uses the placement nearest the transcript's 3' end. VCF-style (leftmost placement, unchanged base first): chr2-26234316-CTG-C. GRCh37 (hg19) VCF-style: chr2-26457184-CTG-C.
Other names: short protein forms Q118fs.
Identifiers: ClinVar variation 1408580 (VCV001408580.6), dbSNP rs1670695370, ClinGen allele CA1239718592.